The following is an entry in ClinVar:

NM_175737.4(KLB):c.3025G>A (p.Val1009Ile)

Gene: KLB (klotho beta; plus strand). Cytogenetic location: 4p14.
Variant type: single nucleotide variant.
Coding change: c.3025G>A on transcript NM_175737.4 (MANE Select); coding-DNA position 3025, G replaced by A.
Protein change: p.Val1009Ile; replaces valine 1009 with isoleucine.
Molecular consequence: missense variant.
Genome position (GRCh38, 1-based): chr4:39,448,576, G>A. VCF-style: chr4-39448576-G-A. GRCh37 (hg19) VCF-style: chr4-39450196-G-A.
Other names: c.3025G>A (NM_175737.3); short protein forms V1009I.
Identifiers: ClinVar variation 1490896 (VCV001490896.7), dbSNP rs184285218, ClinGen allele CA2894151.

ClinVar aggregate classification (germline): Uncertain significance. Review status: criteria provided, multiple submitters, no conflicts (2 of 4 stars). 2 submissions from 2 submitters: Uncertain significance (2). Last evaluated 2021-10-12.

Allele frequency attached by ClinVar (database versions not stated): gnomAD exomes 0.00001 and 0.00005; ExAC 0.00008; gnomAD 0.00011 and 0.00012; TOPMed 0.00014; ESP Exome Variant Server 0.00023; 1000 Genomes Project 30x 0.00031; 1000 Genomes Project 0.00040.
gnomAD v4.1: 40 of 1,614,130 alleles (0.0025%); highest among the groups gnomAD compares: African/African-American, 0.044%; no homozygotes.

Submissions (2):

Ambry Genetics
Classification: Uncertain significance. Last evaluated: 2021-10-12. Review status: criteria provided, single submitter. Criteria: Ambry Variant Classification Scheme 2023. Collection method: clinical testing. Allele origin: germline.

Labcorp Genetics (formerly Invitae), Labcorp
Classification: Uncertain significance. Last evaluated: 2021-09-28. Review status: criteria provided, single submitter. Criteria: Invitae Variant Classification Sherloc (09022015). Collection method: clinical testing. Allele origin: germline.
Comment: This sequence change replaces valine with isoleucine at codon 1009 of the KLB protein (p.Val1009Ile). The valine residue is weakly conserved and there is a small physicochemical difference between valine and isoleucine. This variant is present in population databases (rs184285218, ExAC 0.1%). This variant has not been reported in the literature in individuals affected with KLB-related conditions. Algorithms developed to predict the effect of missense changes on protein structure and function output the following: SIFT: "Tolerated"; PolyPhen-2: "Benign"; Align-GVGD: "Class C0". The isoleucine amino acid residue is found in multiple mammalian species, which suggests that this missense change does not adversely affect protein function. In summary, the available evidence is currently insufficient to determine the role of this variant in disease. Therefore, it has been classified as a Variant of Uncertain Significance.